The following is an entry in ClinVar:

ClinVar aggregate classification (germline): Uncertain significance (1 of 4 stars; one submission).

Conditions:
Hereditary cancer-predisposing syndrome. Also called: Tumor predisposition; Hereditary Cancer Syndrome; Hereditary neoplastic syndrome; Neoplastic Syndromes, Hereditary. Identifiers: Orphanet 140162, MedGen C0027672, MeSH D009386, MONDO:0015356.

Submission:

Ambry Genetics
Classification: Uncertain significance for Hereditary cancer-predisposing syndrome. Last evaluated: 2023-08-11. Review status: criteria provided, single submitter. Criteria: Ambry Variant Classification Scheme 2023. Collection method: clinical testing. Allele origin: germline.
Comment: The p.T556A variant (also known as c.1666A>G), located in coding exon 15 of the NF2 gene, results from an A to G substitution at nucleotide position 1666. The threonine at codon 556 is replaced by alanine, an amino acid with similar properties. This amino acid position is conserved. In addition, the in silico prediction for this alteration is inconclusive. Since supporting evidence is limited at this time, the clinical significance of this alteration remains unclear.

NM_000268.4(NF2):c.1666A>G (p.Thr556Ala)

Gene: NF2 (NF2, moesin-ezrin-radixin like (MERLIN) tumor suppressor; plus strand). Cytogenetic location: 22q12.2.
Variant type: single nucleotide variant.
Coding change: c.1666A>G on transcript NM_000268.4 (MANE Select); coding-DNA position 1666, A replaced by G.
Protein change: p.Thr556Ala; replaces threonine 556 with alanine.
Molecular consequence: missense variant. On other transcripts: intron variant (3).
Genome position (GRCh38, 1-based): chr22:29,681,530, A>G. VCF-style: chr22-29681530-A-G. GRCh37 (hg19) VCF-style: chr22-30077519-A-G.
Other names: c.1325+3207A>G (NM_001407064.1); c.1552A>G, p.Thr518Ala (NM_001407053.1, NM_001407056.1); c.1543A>G, p.Thr515Ala (NM_001407054.1, NM_001407058.1, NM_181829.3); c.1540A>G, p.Thr514Ala (NM_001407055.1, NM_181828.3); c.1531A>G, p.Thr511Ala (NM_001407057.1, NM_001407059.1); c.1408A>G, p.Thr470Ala (NM_001407062.1); c.1417A>G, p.Thr473Ala (NM_001407063.1, NM_181830.3, NM_181831.3); c.1132A>G, p.Thr378Ala (NM_001407065.1); and 4 more; short protein forms T479A, T473A, T515A, T518A, T470A, T511A, T556A, T378A.
Identifiers: ClinVar variation 2587708 (VCV002587708.2), dbSNP rs2518735415, ClinGen allele CA411150264.